The following is an entry in ClinVar:

ClinVar aggregate classification (germline): Uncertain significance. Review status: criteria provided, multiple submitters, no conflicts (2 of 4 stars). 4 submissions from 4 submitters: Uncertain significance (4). Last evaluated 2026-01-12.

Conditions:
Cardiac arrhythmia. Also called: Arrhythmia; Cardiac rhythm disease. Identifiers: MedGen C0003811, MONDO:0007263, HP:0011675.
Long QT syndrome (LQTS). Identifiers: MedGen C0023976, MeSH D008133, MONDO:0002442. Disease mechanism: loss of function. Inheritance: Various modes of inheritance.
Cardiovascular phenotype. Identifiers: MedGen CN230736.

Allele frequency attached by ClinVar (database versions not stated): TOPMed below 0.00001; gnomAD exomes 0.00001 and 0.00002; ExAC 0.00002.
gnomAD v4.1: 19 of 1,614,124 alleles (0.0012%); highest among the groups gnomAD compares: Admixed American, 0.0033%; no homozygotes.

Submissions (4):

Labcorp Genetics (formerly Invitae), Labcorp
Classification: Uncertain significance for Long QT syndrome. Last evaluated: 2026-01-12. Review status: criteria provided, single submitter. Criteria: Invitae Variant Classification Sherloc (09022015). Collection method: clinical testing. Allele origin: germline.
Comment: This sequence change replaces arginine, which is basic and polar, with cysteine, which is neutral and slightly polar, at codon 488 of the KCNH2 protein (p.Arg488Cys). This variant is present in population databases (rs281865155, gnomAD 0.006%). This missense change has been observed in individual(s) with clinical features of long QT syndrome (internal data). ClinVar contains an entry for this variant (Variation ID: 1018981). An algorithm developed to predict the effect of missense changes on protein structure and function (PolyPhen-2) suggests that this variant is likely to be disruptive. In summary, the available evidence is currently insufficient to determine the role of this variant in disease. Therefore, it has been classified as a Variant of Uncertain Significance.

All of Us Research Program, National Institutes of Health
Classification: Uncertain significance for Long QT syndrome. Last evaluated: 2024-09-11. Review status: criteria provided, single submitter. Criteria: ACMG Guidelines, 2015. Collection method: clinical testing. Allele origin: germline. Inheritance: Autosomal dominant inheritance. Observed: 8 variant alleles, 8 heterozygotes.
Comment: This missense variant replaces arginine with cysteine at codon 488 of the KCNH2 protein. Computational prediction suggests that this variant may have deleterious impact on protein structure and function (internally defined REVEL score threshold >= 0.7, PMID: 27666373). To our knowledge, functional studies have not been reported for this variant. This variant has not been reported in individuals affected with cardiovascular disorders in the literature. This variant has been identified in 6/251454 chromosomes in the general population by the Genome Aggregation Database (gnomAD). The available evidence is insufficient to determine the role of this variant in disease conclusively. Therefore, this variant is classified as a Variant of Uncertain Significance.

This study involves interpretation of variants in research participants for the purpose of population health screening. Participant phenotype was not available at the time of variant classification. Additional details can be found in publication PMID: 35346344, PMCID: PMC8962531

Color Diagnostics, LLC DBA Color Health
Classification: Uncertain significance for Cardiac arrhythmia. Last evaluated: 2024-07-26. Review status: criteria provided, single submitter. Criteria: ACMG Guidelines, 2015. Collection method: clinical testing. Allele origin: germline.
Comment: This missense variant replaces arginine with cysteine at codon 488 of the KCNH2 protein. Computational prediction suggests that this variant may have deleterious impact on protein structure and function. To our knowledge, functional studies have not been reported for this variant. This variant has not been reported in individuals affected with KCNH2-related disorders in the literature. This variant has been identified in 6/251454 chromosomes in the general population by the Genome Aggregation Database (gnomAD). The available evidence is insufficient to determine the role of this variant in disease conclusively. Therefore, this variant is classified as a Variant of Uncertain Significance.

Ambry Genetics
Classification: Uncertain significance for Cardiovascular phenotype. Last evaluated: 2024-01-08. Review status: criteria provided, single submitter. Criteria: Ambry Variant Classification Scheme 2023. Collection method: clinical testing. Allele origin: germline.
Comment: The p.R488C variant (also known as c.1462C>T), located in coding exon 6 of the KCNH2 gene, results from a C to T substitution at nucleotide position 1462. The arginine at codon 488 is replaced by cysteine, an amino acid with highly dissimilar properties, and is located in the transmembrane spanning S2/S3 domain. This amino acid position is not well conserved in available vertebrate species. In addition, this alteration is predicted to be deleterious by in silico analysis. Since supporting evidence is limited at this time, the clinical significance of this alteration remains unclear.

NM_000238.4(KCNH2):c.1462C>T (p.Arg488Cys)

Gene: KCNH2 (potassium voltage-gated channel subfamily H member 2; minus strand). Cytogenetic location: 7q36.1.
Variant type: single nucleotide variant.
Coding change: c.1462C>T on transcript NM_000238.4 (MANE Select); coding-DNA position 1462, C replaced by T.
Protein change: p.Arg488Cys; replaces arginine 488 with cysteine.
Molecular consequence: missense variant.
Genome position (GRCh38, 1-based): chr7:150,952,520, G>A on the plus strand (C>T on the coding strand, the complement: KCNH2 is on the minus strand). VCF-style: chr7-150952520-G-A. GRCh37 (hg19) VCF-style: chr7-150649608-G-A.
Other names: c.442C>T, p.Arg148Cys (NM_001204798.2, NM_172057.3); c.1174C>T, p.Arg392Cys (NM_001406753.1, NM_001406756.1); c.1285C>T, p.Arg429Cys (NM_001406755.1); c.1162C>T, p.Arg388Cys (NM_001406757.1); c.1462C>T, p.Arg488Cys (NM_172056.3); short protein forms R148C, R488C, R392C, R388C, R429C.
Identifiers: ClinVar variation 1018981 (VCV001018981.17), dbSNP rs281865155, ClinGen allele CA028081.